The following is an entry in ClinVar:

NM_033056.4(PCDH15):c.5550C>A (p.Thr1850=)

Gene: PCDH15 (protocadherin related 15; minus strand). Cytogenetic location: 10q21.1.
Variant type: single nucleotide variant.
Coding change: c.5550C>A on transcript NM_033056.4 (MANE Plus Clinical); coding-DNA position 5550, C replaced by A.
Protein change: p.Thr1850=; no amino-acid change (threonine 1850 retained).
Molecular consequence: synonymous variant. On other transcripts: intron variant (8).
Genome position (GRCh38, 1-based): chr10:53,822,176, G>T on the plus strand (C>A on the coding strand, the complement: PCDH15 is on the minus strand). VCF-style: chr10-53822176-G-T. GRCh37 (hg19) VCF-style: chr10-55581936-G-T.
Other names: c.5571C>A, p.Thr1857= (NM_001142763.2); c.5556C>A, p.Thr1852= (NM_001142764.2); c.5343C>A, p.Thr1781= (NM_001142765.2); c.5541C>A, p.Thr1847= (NM_001142766.2); c.5430C>A, p.Thr1810= (NM_001142767.2); c.5490C>A, p.Thr1830= (NM_001142768.2); c.5481C>A, p.Thr1827= (NM_001142773.2); c.5484C>A, p.Thr1828= (NM_001354404.2); and 7 more.
Identifiers: ClinVar variation 46502 (VCV000046502.24), dbSNP rs112097891, ClinGen allele CA138477.

ClinVar aggregate classification (germline): Benign/Likely benign. Review status: criteria provided, multiple submitters, no conflicts (2 of 4 stars). 8 submissions from 8 submitters: Benign (3); Likely benign (3). 2 of the submissions do not count toward it. Last evaluated 2026-02-02.

Conditions:
Usher syndrome type 1 (USH1). Also called: RETINITIS PIGMENTOSA AND CONGENITAL DEAFNESS. Identifiers: Orphanet 231169, Orphanet 886, MedGen C1568247, MONDO:0010168, OMIM 276900.

Allele frequency attached by ClinVar (database versions not stated): gnomAD exomes 0.00110; gnomAD 0.00462 and 0.00486; 1000 Genomes Project 30x 0.00547; ESP Exome Variant Server 0.00615; ExAC 0.00147; 1000 Genomes Project 0.00519; TOPMed 0.00543.
gnomAD v4.1: 1,366 of 1,613,946 alleles (0.085%); highest among the groups gnomAD compares: African/African-American, 1.6%; 17 homozygotes.

Submissions (8):

Labcorp Genetics (formerly Invitae), Labcorp
Classification: Benign. Last evaluated: 2026-02-02. Review status: criteria provided, single submitter. Criteria: Invitae Variant Classification Sherloc (09022015). Collection method: clinical testing. Allele origin: germline.

Blueprint Genetics
Classification: Likely benign. Last evaluated: 2024-09-16. Review status: criteria provided, single submitter. Criteria: ACMG Guidelines, 2015. Collection method: clinical testing. Allele origin: germline.

GeneDx
Classification: Benign. Last evaluated: 2018-12-03. Review status: criteria provided, single submitter. Criteria: GeneDx Variant Classification Process June 2021. Collection method: clinical testing. Allele origin: germline. Affected: yes.
Comment: This variant is associated with the following publications: (PMID: 22135276)

Illumina Laboratory Services, Illumina
Classification: Likely benign for Usher syndrome type 1. Last evaluated: 2018-01-13. Review status: criteria provided, single submitter. Criteria: ICSL Variant Classification Criteria 13 December 2019. Collection method: clinical testing. Allele origin: germline.
Comment: This variant was observed in the ICSL laboratory as part of a predisposition screen in an ostensibly healthy population. It had not been previously curated by ICSL or reported in the Human Gene Mutation Database (HGMD: prior to June 1st, 2018), and was therefore a candidate for classification through an automated scoring system. Utilizing variant allele frequency, disease prevalence and penetrance estimates, and inheritance mode, an automated score was calculated to assess if this variant is too frequent to cause the disease. Based on the score and internal cut-off values, a variant classified as likely benign is not then subjected to further curation. The score for this variant resulted in a classification of likely benign for this disease.

Laboratory for Molecular Medicine, Mass General Brigham Personalized Medicine
Classification: Benign. Last evaluated: 2012-02-20. Review status: criteria provided, single submitter. Criteria: LMM Criteria. Collection method: clinical testing. Allele origin: germline. Observed: 6 variant alleles.
Comment: Thr1850Thr in exon 36 of PCDH15: This variant is not expected to have clinical s ignificance because it does not alter an amino acid residue, is not located with in the splice consensus sequence and has been identified in 1.6% (61/3738) of Af rican American chromosomes from a broad population by the NHLBI Exome Sequencing Project (dbSNP rs112097891).

Breakthrough Genomics
Classification: Likely benign. Review status: criteria provided, single submitter. Criteria: ACMG Guidelines, 2015. Collection method: not provided. Allele origin: germline. Inheritance: Autosomal recessive inheritance. Affected: yes.

Clinical Genetics DNA and cytogenetics Diagnostics Lab, Erasmus MC, Erasmus Medical Center
Classification: Benign. Review status: no assertion criteria provided. Collection method: clinical testing. Allele origin: germline. Affected: yes. Study: VKGL Data-share Consensus. Not counted in ClinVar's aggregate classification.

Clinical Genetics, Academic Medical Center
Classification: Benign. Review status: no assertion criteria provided. Collection method: clinical testing. Allele origin: germline. Affected: yes. Study: VKGL Data-share Consensus. Not counted in ClinVar's aggregate classification.